The following is an entry in ClinVar:

NM_001128148.3(TFRC):c.155C>G (p.Thr52Arg)

Gene: TFRC (transferrin receptor; minus strand). Cytogenetic location: 3q29.
Variant type: single nucleotide variant.
Coding change: c.155C>G on transcript NM_001128148.3 (MANE Select); coding-DNA position 155, C replaced by G.
Protein change: p.Thr52Arg; replaces threonine 52 with arginine.
Molecular consequence: missense variant. On other transcripts: intron variant (2).
Genome position (GRCh38, 1-based): chr3:196,075,242, G>C on the plus strand (C>G on the coding strand, the complement: TFRC is on the minus strand). VCF-style: chr3-196075242-G-C. GRCh37 (hg19) VCF-style: chr3-195802113-G-C.
Other names: c.155C>G, p.Thr52Arg (NM_003234.4); c.-413+1822C>G (NM_001313966.2); c.-5-1117C>G (NM_001313965.2); short protein forms T52R.
Identifiers: ClinVar variation 1903123 (VCV001903123.5), dbSNP rs1184656094, ClinGen allele CA355579258.

ClinVar aggregate classification (germline): Uncertain significance (1 of 4 stars; one submission).

Allele frequency attached by ClinVar (database versions not stated): gnomAD exomes below 0.00001; gnomAD 0.00001; TOPMed 0.00002.
gnomAD v4.1: 4 of 1,613,908 alleles (0.00025%); highest among the groups gnomAD compares: Admixed American, 0.0067%; no homozygotes.

Submission:

Labcorp Genetics (formerly Invitae), Labcorp
Classification: Uncertain significance. Last evaluated: 2025-03-03. Review status: criteria provided, single submitter. Criteria: Invitae Variant Classification Sherloc (09022015). Collection method: clinical testing. Allele origin: germline.
Comment: This sequence change replaces threonine, which is neutral and polar, with arginine, which is basic and polar, at codon 52 of the TFRC protein (p.Thr52Arg). This variant is present in population databases (no rsID available, gnomAD 0.009%). This variant has not been reported in the literature in individuals affected with TFRC-related conditions. ClinVar contains an entry for this variant (Variation ID: 1903123). An algorithm developed to predict the effect of missense changes on protein structure and function (PolyPhen-2) suggests that this variant is likely to be tolerated. In summary, the available evidence is currently insufficient to determine the role of this variant in disease. Therefore, it has been classified as a Variant of Uncertain Significance.